The following is an entry in ClinVar:

NM_001127649.3(PEX26):c.572G>A (p.Arg191Gln)

Gene: PEX26 (peroxisomal biogenesis factor 26; plus strand). Cytogenetic location: 22q11.21.
Variant type: single nucleotide variant.
Coding change: c.572G>A on transcript NM_001127649.3 (MANE Select); coding-DNA position 572, G replaced by A.
Protein change: p.Arg191Gln; replaces arginine 191 with glutamine.
Molecular consequence: missense variant.
Genome position (GRCh38, 1-based): chr22:18,083,637, G>A. VCF-style: chr22-18083637-G-A. GRCh37 (hg19) VCF-style: chr22-18566403-G-A.
Other names: c.572G>A, p.Arg191Gln (NM_001199319.2, NM_017929.6); short protein forms R191Q.
Identifiers: ClinVar variation 863150 (VCV000863150.8), dbSNP rs750749018, ClinGen allele CA10093356.

ClinVar aggregate classification (germline): Uncertain significance. Review status: criteria provided, multiple submitters, no conflicts (2 of 4 stars). 3 submissions from 3 submitters: Uncertain significance (3). Last evaluated 2024-11-11.

Conditions:
Peroxisome biogenesis disorder 7A (Zellweger). Also called: Peroxisome biogenesis disorder 7A. Identifiers: Orphanet 912, MedGen C3888385, MONDO:0013938, OMIM 614872.
Peroxisome biogenesis disorder 7B (PBD7B). Identifiers: Orphanet 44, MedGen C3553951, MONDO:0013939, OMIM 614873.

Allele frequency attached by ClinVar (database versions not stated): ExAC 0.00001; gnomAD 0.00004; gnomAD exomes 0.00004 and 0.00001; TOPMed 0.00009.
gnomAD v4.1: 28 of 1,613,964 alleles (0.0017%); highest among the groups gnomAD compares: Admixed American, 0.032%; no homozygotes.

Submissions (3):

Labcorp Genetics (formerly Invitae), Labcorp
Classification: Uncertain significance for Peroxisome biogenesis disorder 7A (Zellweger); Peroxisome biogenesis disorder 7B. Last evaluated: 2024-11-11. Review status: criteria provided, single submitter. Criteria: Invitae Variant Classification Sherloc (09022015). Collection method: clinical testing. Allele origin: germline.
Comment: This sequence change replaces arginine, which is basic and polar, with glutamine, which is neutral and polar, at codon 191 of the PEX26 protein (p.Arg191Gln). This variant is present in population databases (rs750749018, gnomAD 0.02%). This variant has not been reported in the literature in individuals affected with PEX26-related conditions. ClinVar contains an entry for this variant (Variation ID: 863150). Invitae Evidence Modeling of protein sequence and biophysical properties (such as structural, functional, and spatial information, amino acid conservation, physicochemical variation, residue mobility, and thermodynamic stability) indicates that this missense variant is not expected to disrupt PEX26 protein function with a negative predictive value of 95%. In summary, the available evidence is currently insufficient to determine the role of this variant in disease. Therefore, it has been classified as a Variant of Uncertain Significance.

Revvity Omics, Revvity
Classification: Uncertain significance. Last evaluated: 2024-10-25. Review status: criteria provided, single submitter. Criteria: ACMG Guidelines, 2015. Collection method: clinical testing. Allele origin: germline.

Fulgent Genetics
Classification: Uncertain significance for Peroxisome biogenesis disorder 7A (Zellweger); Peroxisome biogenesis disorder 7B. Last evaluated: 2021-07-26. Review status: criteria provided, single submitter. Criteria: ACMG Guidelines, 2015. Collection method: clinical testing. Allele origin: unknown.